The following is an entry in ClinVar:

ClinVar aggregate classification (germline): Uncertain significance (1 of 4 stars; one submission).

Submission:

Labcorp Genetics (formerly Invitae), Labcorp
Classification: Uncertain significance. Last evaluated: 2024-02-23. Review status: criteria provided, single submitter. Criteria: Invitae Variant Classification Sherloc (09022015). Collection method: clinical testing. Allele origin: germline.
Comment: This sequence change replaces glutamic acid, which is acidic and polar, with lysine, which is basic and polar, at codon 1455 of the LOXHD1 protein (p.Glu1455Lys). This variant is not present in population databases (gnomAD no frequency). This variant has not been reported in the literature in individuals affected with LOXHD1-related conditions. ClinVar contains an entry for this variant (Variation ID: 1403200). An algorithm developed to predict the effect of missense changes on protein structure and function (PolyPhen-2) suggests that this variant is likely to be disruptive. In summary, the available evidence is currently insufficient to determine the role of this variant in disease. Therefore, it has been classified as a Variant of Uncertain Significance.

NM_001384474.1(LOXHD1):c.4363G>A (p.Glu1455Lys)

Gene: LOXHD1 (lipoxygenase homology PLAT domains 1; minus strand). Cytogenetic location: 18q21.1.
Variant type: single nucleotide variant.
Coding change: c.4363G>A on transcript NM_001384474.1 (MANE Select); coding-DNA position 4363, G replaced by A.
Protein change: p.Glu1455Lys; replaces glutamic acid 1455 with lysine.
Molecular consequence: missense variant.
Genome position (GRCh38, 1-based): chr18:46,533,174, C>T on the plus strand (G>A on the coding strand, the complement: LOXHD1 is on the minus strand). VCF-style: chr18-46533174-C-T. GRCh37 (hg19) VCF-style: chr18-44113137-C-T.
Other names: c.1030G>A, p.Glu344Lys (NM_001145472.3); c.742G>A, p.Glu248Lys (NM_001308013.2); c.4363G>A, p.Glu1455Lys (NM_144612.7); short protein forms E248K, E1455K, E344K.
Identifiers: ClinVar variation 1403200 (VCV001403200.8), dbSNP rs2144265336, ClinGen allele CA402374875.